The following is an entry in ClinVar:

ClinVar aggregate classification (germline): Benign/Likely benign. Review status: criteria provided, multiple submitters, no conflicts (2 of 4 stars). 4 submissions from 4 submitters: Benign (1); Likely benign (3). Last evaluated 2026-04-28.

Conditions:
Colorectal cancer, susceptibility to, 1. Also called: COLORECTAL ADENOMA AND CANCER, SUSCEPTIBILITY TO; COLORECTAL CANCER, SUSCEPTIBILITY TO, ON CHROMOSOME 9. Identifiers: MedGen C1837315, MONDO:0012132, OMIM 608812.

Allele frequency attached by ClinVar (database versions not stated): TOPMed below 0.00001; ExAC 0.00002; gnomAD exomes 0.00001.
gnomAD v4.1: 6 of 1,614,090 alleles (0.00037%); highest among the groups gnomAD compares: South Asian, 0.0044%; no homozygotes.

Submissions (4):

Myriad Genetics, Inc.
Classification: Benign for Colorectal cancer, susceptibility to, 1. Last evaluated: 2026-04-28. Review status: criteria provided, single submitter. Criteria: Myriad Autosomal Dominant, Autosomal Recessive and X-Linked Classification Criteria (2023). Collection method: clinical testing. Allele origin: unknown.
Comment: This variant is considered benign. This variant is a silent/synonymous amino acid change and it is not expected to impact splicing.

Quest Diagnostics Nichols Institute San Juan Capistrano
Classification: Likely benign. Last evaluated: 2025-08-07. Review status: criteria provided, single submitter. Criteria: Quest Diagnostics criteria. Collection method: clinical testing. Allele origin: unknown.

Labcorp Genetics (formerly Invitae), Labcorp
Classification: Likely benign. Last evaluated: 2025-05-23. Review status: criteria provided, single submitter. Criteria: Invitae Variant Classification Sherloc (09022015). Collection method: clinical testing. Allele origin: germline.

Ambry Genetics
Classification: Likely benign. Last evaluated: 2023-03-08. Review status: criteria provided, single submitter. Criteria: Ambry Variant Classification Scheme 2023. Collection method: clinical testing. Allele origin: germline.

NM_024642.5(GALNT12):c.1683A>G (p.Pro561=)

Gene: GALNT12 (polypeptide N-acetylgalactosaminyltransferase 12; plus strand). Cytogenetic location: 9q22.33.
Variant type: single nucleotide variant.
Coding change: c.1683A>G on transcript NM_024642.5 (MANE Select); coding-DNA position 1683, A replaced by G.
Protein change: p.Pro561=; no amino-acid change (proline 561 retained).
Molecular consequence: synonymous variant.
Genome position (GRCh38, 1-based): chr9:98,849,029, A>G. VCF-style: chr9-98849029-A-G. GRCh37 (hg19) VCF-style: chr9-101611311-A-G.
Identifiers: ClinVar variation 2473199 (VCV002473199.7), dbSNP rs139257090, ClinGen allele CA5154344.